The following is an entry in ClinVar:

NM_005476.7(GNE):c.1921A>G (p.Ile641Val)

Gene: GNE (glucosamine (UDP-N-acetyl)-2-epimerase/N-acetylmannosamine kinase; minus strand). Cytogenetic location: 9p13.3.
Variant type: single nucleotide variant.
Coding change: c.1921A>G on transcript NM_005476.7 (MANE Select); coding-DNA position 1921, A replaced by G.
Protein change: p.Ile641Val; replaces isoleucine 641 with valine.
Molecular consequence: missense variant.
Genome position (GRCh38, 1-based): chr9:36,218,195, T>C on the plus strand (A>G on the coding strand, the complement: GNE is on the minus strand). VCF-style: chr9-36218195-T-C. GRCh37 (hg19) VCF-style: chr9-36218192-T-C.
Other names: c.2014A>G, p.Ile672Val (NM_001128227.3); c.1699A>G, p.Ile567Val (NM_001190383.3); c.1591A>G, p.Ile531Val (NM_001190384.3); c.1744A>G, p.Ile582Val (NM_001190388.2, NM_001374798.1); c.1768A>G, p.Ile590Val (NM_001374797.1); short protein forms I641V, I590V, I582V, I531V, I567V, I672V.
Identifiers: ClinVar variation 1373213 (VCV001373213.6), dbSNP rs2132996877, ClinGen allele CA373424935.

ClinVar aggregate classification (germline): Uncertain significance (1 of 4 stars; one submission).

Conditions:
Sialuria. Also called: Sialic Acid Storage Disease; SIALURIA, FRENCH TYPE. Identifiers: Orphanet 3166, MedGen C0342853, MONDO:0010028, OMIM 269921.
GNE myopathy (NM). Also called: NONAKA DISTAL MYOPATHY; INCLUSION BODY MYOPATHY, HEREDITARY, AUTOSOMAL RECESSIVE; INCLUSION BODY MYOPATHY 2, AUTOSOMAL RECESSIVE; IBM 2; Inclusion body myopathy autosomal recessive; Inclusion body myopathy quadriceps sparing. Identifiers: Orphanet 602, MedGen C1853926, MONDO:0011603, OMIM 605820.

Submission:

Labcorp Genetics (formerly Invitae), Labcorp
Classification: Uncertain significance for Sialuria; GNE myopathy. Last evaluated: 2021-08-07. Review status: criteria provided, single submitter. Criteria: Invitae Variant Classification Sherloc (09022015). Collection method: clinical testing. Allele origin: germline.
Comment: In summary, the available evidence is currently insufficient to determine the role of this variant in disease. Therefore, it has been classified as a Variant of Uncertain Significance. Advanced modeling of protein sequence and biophysical properties (such as structural, functional, and spatial information, amino acid conservation, physicochemical variation, residue mobility, and thermodynamic stability) performed at Invitae indicates that this missense variant is not expected to disrupt GNE protein function. This variant has not been reported in the literature in individuals affected with GNE-related conditions. This variant is not present in population databases (ExAC no frequency). This sequence change replaces isoleucine with valine at codon 672 of the GNE protein (p.Ile672Val). The isoleucine residue is highly conserved and there is a small physicochemical difference between isoleucine and valine.